The following is an entry in ClinVar:

ClinVar aggregate classification (germline): Uncertain significance. Review status: criteria provided, multiple submitters, no conflicts (2 of 4 stars). 4 submissions from 4 submitters: Uncertain significance (4). Last evaluated 2024-12-30.

Conditions:
Inborn genetic diseases. Identifiers: MedGen C0950123, MeSH D030342.
Multiple congenital anomalies-hypotonia-seizures syndrome 3 (MCAHS3). Also called: GLYCOSYLPHOSPHATIDYLINOSITOL BIOSYNTHESIS DEFECT 7. Identifiers: Orphanet 369837, MedGen C3809356, MONDO:0014165, OMIM 615398.

Allele frequency attached by ClinVar (database versions not stated): TOPMed 0.00002; gnomAD 0.00003; gnomAD exomes 0.00003; ExAC 0.00007.
gnomAD v4.1: 44 of 1,613,468 alleles (0.0027%); highest among the groups gnomAD compares: East Asian, 0.096%; no homozygotes.

Submissions (4):

Ambry Genetics
Classification: Uncertain significance for Inborn genetic diseases. Last evaluated: 2024-12-30. Review status: criteria provided, single submitter. Criteria: Ambry Variant Classification Scheme 2023. Collection method: clinical testing. Allele origin: germline.

GeneDx
Classification: Uncertain significance. Last evaluated: 2023-03-03. Review status: criteria provided, single submitter. Criteria: GeneDx Variant Classification Process June 2021. Collection method: clinical testing. Allele origin: germline. Affected: yes.
Comment: In silico analysis supports that this missense variant has a deleterious effect on protein structure/function; Has not been previously published as pathogenic or benign to our knowledge

Labcorp Genetics (formerly Invitae), Labcorp
Classification: Uncertain significance for Multiple congenital anomalies-hypotonia-seizures syndrome 3. Last evaluated: 2022-12-02. Review status: criteria provided, single submitter. Criteria: Invitae Variant Classification Sherloc (09022015). Collection method: clinical testing. Allele origin: germline.
Comment: In summary, the available evidence is currently insufficient to determine the role of this variant in disease. Therefore, it has been classified as a Variant of Uncertain Significance. Advanced modeling of protein sequence and biophysical properties (such as structural, functional, and spatial information, amino acid conservation, physicochemical variation, residue mobility, and thermodynamic stability) performed at Invitae indicates that this missense variant is expected to disrupt PIGT protein function. This variant has not been reported in the literature in individuals affected with PIGT-related conditions. This variant is present in population databases (rs758480164, gnomAD 0.1%). This sequence change replaces proline, which is neutral and non-polar, with leucine, which is neutral and non-polar, at codon 194 of the PIGT protein (p.Pro194Leu).

Blueprint Genetics
Classification: Uncertain significance. Last evaluated: 2021-08-26. Review status: criteria provided, single submitter. Criteria: ACMG Guidelines, 2015. Collection method: clinical testing. Allele origin: germline.

NM_015937.6(PIGT):c.581C>T (p.Pro194Leu)

Gene: PIGT (phosphatidylinositol glycan anchor biosynthesis class T; plus strand). Cytogenetic location: 20q13.12.
Variant type: single nucleotide variant.
Coding change: c.581C>T on transcript NM_015937.6 (MANE Select); coding-DNA position 581, C replaced by T.
Protein change: p.Pro194Leu; replaces proline 194 with leucine.
Molecular consequence: missense variant. On other transcripts: non-coding transcript variant (3).
Genome position (GRCh38, 1-based): chr20:45,419,382, C>T. VCF-style: chr20-45419382-C-T. GRCh37 (hg19) VCF-style: chr20-44048022-C-T.
Other names: c.581C>T (NM_015937.5, NM_015937.4); c.413C>T, p.Pro138Leu (NM_001184728.3); c.581C>T, p.Pro194Leu (NM_001184729.3); c.275C>T, p.Pro92Leu (NM_001184730.3); short protein forms P194L, P92L, P138L.
Identifiers: ClinVar variation 2073377 (VCV002073377.5), dbSNP rs758480164, ClinGen allele CA9877937.